The following is an entry in ClinVar:

NM_004859.4(CLTC):c.2905C>T (p.Pro969Ser)

Gene: CLTC (clathrin heavy chain; plus strand). Cytogenetic location: 17q23.1.
Variant type: single nucleotide variant.
Coding change: c.2905C>T on transcript NM_004859.4 (MANE Select); coding-DNA position 2905, C replaced by T.
Protein change: p.Pro969Ser; replaces proline 969 with serine.
Molecular consequence: missense variant.
Genome position (GRCh38, 1-based): chr17:59,679,505, C>T. VCF-style: chr17-59679505-C-T. GRCh37 (hg19) VCF-style: chr17-57756866-C-T.
Other names: c.2917C>T, p.Pro973Ser (NM_001288653.2); short protein forms P969S, P973S.
Identifiers: ClinVar variation 1878928 (VCV001878928.2), dbSNP rs2509147594, ClinGen allele CA400416538.

ClinVar aggregate classification (germline): Uncertain significance (1 of 4 stars; one submission).

Submission:

GeneDx
Classification: Uncertain significance. Last evaluated: 2026-02-05. Review status: criteria provided, single submitter. Criteria: GeneDx Variant Classification Process June 2021. Collection method: clinical testing. Allele origin: germline. Affected: yes.
Comment: Not observed at significant frequency in large population cohorts (gnomAD); In silico analysis suggests that this missense variant does not alter protein structure/function; Has not been previously published as pathogenic or benign to our knowledge